The following is an entry in ClinVar:

NM_052859.4(RFT1):c.-7G>A

Genes: RFT1 (RFT1 homolog; minus strand), LOC129936883 (ATAC-STARR-seq lymphoblastoid active region 19954; plus strand). Cytogenetic location: 3p21.1.
Variant type: single nucleotide variant.
Coding change: c.-7G>A on transcript NM_052859.4 (MANE Select); 7 bases upstream of the start codon, G replaced by A.
Molecular consequence: 5 prime UTR variant.
Genome position (GRCh38, 1-based): chr3:53,130,407, C>T on the plus strand (G>A on the coding strand, the complement: RFT1 is on the minus strand). VCF-style: chr3-53130407-C-T. GRCh37 (hg19) VCF-style: chr3-53164423-C-T.
Identifiers: ClinVar variation 517876 (VCV000517876.1), dbSNP rs1431722675, ClinGen allele CA433796201.

ClinVar aggregate classification (germline): Likely benign (1 of 4 stars; one submission).

Allele frequency attached by ClinVar (database versions not stated): gnomAD 0.00004; TOPMed 0.00003.
gnomAD v4.1: 91 of 1,551,928 alleles (0.0059%); highest among the groups gnomAD compares: Non-Finnish European, 0.0072%; no homozygotes.

Submission:

GeneDx
Classification: Likely benign. Last evaluated: 2017-05-26. Review status: criteria provided, single submitter. Criteria: GeneDx Variant Classification (06012015). Collection method: clinical testing. Allele origin: germline. Affected: yes.
Comment: This variant is considered likely benign or benign based on one or more of the following criteria: it is a conservative change, it occurs at a poorly conserved position in the protein, it is predicted to be benign by multiple in silico algorithms, and/or has population frequency not consistent with disease.